The following is an entry in ClinVar:

ClinVar aggregate classification (germline): Uncertain significance (1 of 4 stars; one submission).

Conditions:
Neuropathy, hereditary sensory and autonomic, type 2A (HSAN2A). Also called: MORVAN DISEASE; NEUROPATHY, CONGENITAL SENSORY; NEUROPATHY, HEREDITARY SENSORY RADICULAR, AUTOSOMAL RECESSIVE; NEUROPATHY, HEREDITARY SENSORY, TYPE IIA; NEUROPATHY, PROGRESSIVE SENSORY, OF CHILDREN; WNK1-Related HSAN2 (HSAN2A). Identifiers: Orphanet 970, MedGen C2752089, MONDO:0024309, OMIM 201300.
Generalized epilepsy with febrile seizures plus, type 7 (GEFSP7). Also called: GEFS+, TYPE 7. Identifiers: Orphanet 36387, MedGen C2751778, MONDO:0013470, OMIM 613863.

Submission:

Labcorp Genetics (formerly Invitae), Labcorp
Classification: Uncertain significance for Neuropathy, hereditary sensory and autonomic, type 2A; Generalized epilepsy with febrile seizures plus, type 7. Last evaluated: 2025-03-06. Review status: criteria provided, single submitter. Criteria: Invitae Variant Classification Sherloc (09022015). Collection method: clinical testing. Allele origin: germline.
Comment: This sequence change replaces serine, which is neutral and polar, with arginine, which is basic and polar, at codon 1049 of the SCN9A protein (p.Ser1049Arg). This variant is not present in population databases (gnomAD no frequency). This variant has not been reported in the literature in individuals affected with SCN9A-related conditions. ClinVar contains an entry for this variant (Variation ID: 2048974). Invitae Evidence Modeling of protein sequence and biophysical properties (such as structural, functional, and spatial information, amino acid conservation, physicochemical variation, residue mobility, and thermodynamic stability) indicates that this missense variant is not expected to disrupt SCN9A protein function with a negative predictive value of 95%. In summary, the available evidence is currently insufficient to determine the role of this variant in disease. Therefore, it has been classified as a Variant of Uncertain Significance.

NM_001365536.1(SCN9A):c.3180T>G (p.Ser1060Arg)

Genes: SCN1A-AS1 (SCN1A and SCN9A antisense RNA 1; plus strand), SCN9A (sodium voltage-gated channel alpha subunit 9; minus strand). Cytogenetic location: 2q24.3.
Variant type: single nucleotide variant.
Coding change: c.3180T>G on transcript NM_001365536.1 (MANE Select); coding-DNA position 3180, T replaced by G.
Protein change: p.Ser1060Arg; replaces serine 1060 with arginine.
Molecular consequence: missense variant.
Genome position (GRCh38, 1-based): chr2:166,272,570, A>C on the plus strand (T>G on the coding strand, the complement: SCN9A is on the minus strand). VCF-style: chr2-166272570-A-C. GRCh37 (hg19) VCF-style: chr2-167129080-A-C.
Other names: c.3147T>G, p.Ser1049Arg (NM_002977.4); short protein forms S1060R, S1049R.
Identifiers: ClinVar variation 2048974 (VCV002048974.4), dbSNP rs199697334, ClinGen allele CA59791272.
Genomic context (GRCh38, chr2:166,272,570, plus strand): 5'-AATAAATGATTGACCATCACTGTCTTCCATCAAGTGTTTGTCCACGCTGCTTCCAAAACC[A>C]CTGATTTTATCTTTTTCCTTGAGGAAATTGTGACCTTTGCTCATTTCAGCAAGTGTATGG-3'
Protein context (NP_001352465.1, residues 1050-1070): HNFLKEKDKI[Ser1060Arg]GFGSSVDKHL